The following is an entry in ClinVar:

ClinVar aggregate classification (germline): Uncertain significance (1 of 4 stars; one submission).

Conditions:
Inborn genetic diseases. Identifiers: MedGen C0950123, MeSH D030342.

Submission:

Ambry Genetics
Classification: Uncertain significance for Inborn genetic diseases. Last evaluated: 2025-12-26. Review status: criteria provided, single submitter. Criteria: Ambry Variant Classification Scheme 2023. Collection method: clinical testing. Allele origin: germline.
Comment: The p.S916R variant (also known as c.2748C>A), located in coding exon 1 of the SAMD9L gene, results from a C to A substitution at nucleotide position 2748. The serine at codon 916 is replaced by arginine, an amino acid with dissimilar properties. This amino acid position is conserved. In addition, this alteration is predicted to be tolerated by in silico analysis. Based on the available evidence, the clinical significance of this variant remains unclear.

NM_152703.5(SAMD9L):c.2748C>A (p.Ser916Arg)

Gene: SAMD9L (sterile alpha motif domain containing 9 like; minus strand). Cytogenetic location: 7q21.2.
Variant type: single nucleotide variant.
Coding change: c.2748C>A on transcript NM_152703.5 (MANE Select); coding-DNA position 2748, C replaced by A.
Protein change: p.Ser916Arg; replaces serine 916 with arginine.
Molecular consequence: missense variant.
Genome position (GRCh38, 1-based): chr7:93,133,224, G>T on the plus strand (C>A on the coding strand, the complement: SAMD9L is on the minus strand). VCF-style: chr7-93133224-G-T. GRCh37 (hg19) VCF-style: chr7-92762537-G-T.
Other names: c.2748C>A, p.Ser916Arg (NM_001303500.3, NM_001350082.2, NM_001350083.2 and 5 more transcripts); short protein forms S916R.
Identifiers: ClinVar variation 4842017 (VCV004842017.1).
Genomic context (GRCh38, chr7:93,133,224, plus strand): 5'-TGTAGAGTCAGTAACATAAGAGCTGAGTAAAGCCAGGAAGGAAATGAGTTGTGCTTCCTT[G>T]CTGTCAACATCCTGTCCTTTTAGGATATTCCTGACTACATTTTCTATATATGTTTCATCA-3'
Protein context (NP_689916.2, residues 906-926): RNILKGQDVD[Ser916Arg]KEAQLISFLA